The following is an entry in ClinVar:

ClinVar aggregate classification (germline): Uncertain significance (1 of 4 stars; one submission).

Conditions:
Long QT syndrome (LQTS). Identifiers: MedGen C0023976, MeSH D008133, MONDO:0002442. Disease mechanism: loss of function. Inheritance: Various modes of inheritance.

Submission:

Labcorp Genetics (formerly Invitae), Labcorp
Classification: Uncertain significance for Long QT syndrome. Last evaluated: 2023-12-11. Review status: criteria provided, single submitter. Criteria: Invitae Variant Classification Sherloc (09022015). Collection method: clinical testing. Allele origin: germline.
Comment: This sequence change replaces alanine, which is neutral and non-polar, with valine, which is neutral and non-polar, at codon 527 of the KCNH2 protein (p.Ala527Val). This variant is not present in population databases (gnomAD no frequency). This variant has not been reported in the literature in individuals affected with KCNH2-related conditions. An algorithm developed to predict the effect of missense changes on protein structure and function (PolyPhen-2) suggests that this variant is likely to be disruptive. In summary, the available evidence is currently insufficient to determine the role of this variant in disease. Therefore, it has been classified as a Variant of Uncertain Significance.

NM_000238.4(KCNH2):c.1580C>T (p.Ala527Val)

Gene: KCNH2 (potassium voltage-gated channel subfamily H member 2; minus strand). Cytogenetic location: 7q36.1.
Variant type: single nucleotide variant.
Coding change: c.1580C>T on transcript NM_000238.4 (MANE Select); coding-DNA position 1580, C replaced by T.
Protein change: p.Ala527Val; replaces alanine 527 with valine.
Molecular consequence: missense variant. On other transcripts: non-coding transcript variant (2).
Genome position (GRCh38, 1-based): chr7:150,951,813, G>A on the plus strand (C>T on the coding strand, the complement: KCNH2 is on the minus strand). VCF-style: chr7-150951813-G-A. GRCh37 (hg19) VCF-style: chr7-150648901-G-A.
Other names: c.560C>T, p.Ala187Val (NM_001204798.2, NM_172057.3); c.1292C>T, p.Ala431Val (NM_001406753.1, NM_001406756.1); c.1403C>T, p.Ala468Val (NM_001406755.1); c.1280C>T, p.Ala427Val (NM_001406757.1); c.1580C>T, p.Ala527Val (NM_172056.3); short protein forms A187V, A527V, A468V, A427V, A431V.
Identifiers: ClinVar variation 2702191 (VCV002702191.3), dbSNP rs2116964623, ClinGen allele CA369859215.